The following is an entry in ClinVar:

ClinVar aggregate classification (germline): Pathogenic (1 of 4 stars; one submission).

Submission:

Labcorp Genetics (formerly Invitae), Labcorp
Classification: Pathogenic. Last evaluated: 2023-03-29. Review status: criteria provided, single submitter. Criteria: Invitae Variant Classification Sherloc (09022015). Collection method: clinical testing. Allele origin: unknown.
Comment: For these reasons, this variant has been classified as Pathogenic. This variant has not been reported in the literature in individuals affected with UBR1-related conditions. This variant is a gross deletion of the genomic region encompassing exon(s) 13-27 of the UBR1 gene. This deletion is out-of-frame, and is expected to create a premature termination codon and result in an absent or disrupted protein product. Loss-of-function variants in UBR1 are known to be pathogenic (PMID: 24599544).

Literature cited by the submitters: PubMed 24599544.

NC_000015.9:g.(?_43313453)_(43340709_?)del

Gene: UBR1 (ubiquitin protein ligase E3 component n-recognin 1; minus strand). Cytogenetic location: 15q15.2.
Variant type: Deletion.
Identifiers: ClinVar variation 3243923 (VCV003243923.1).